The following is an entry in ClinVar:

ClinVar aggregate classification (germline): Uncertain significance (1 of 4 stars; one submission).

Submission:

Ambry Genetics
Classification: Uncertain significance. Last evaluated: 2023-02-19. Review status: criteria provided, single submitter. Criteria: Ambry Variant Classification Scheme 2023. Collection method: clinical testing. Allele origin: germline.
Comment: The p.K361R variant (also known as c.1082A>G), located in coding exon 11 of the KIF1B gene, results from an A to G substitution at nucleotide position 1082. The lysine at codon 361 is replaced by arginine, an amino acid with highly similar properties. This amino acid position is well conserved in available vertebrate species; however, arginine is the reference amino acid in other vertebrate species. In addition, this alteration is predicted to be tolerated by in silico analysis. Since supporting evidence is limited at this time, the clinical significance of this alteration remains unclear.

NM_001365951.3(KIF1B):c.1100A>G (p.Lys367Arg)

Gene: KIF1B (kinesin family member 1B; plus strand). Cytogenetic location: 1p36.22.
Variant type: single nucleotide variant.
Coding change: c.1100A>G on transcript NM_001365951.3 (MANE Select); coding-DNA position 1100, A replaced by G.
Protein change: p.Lys367Arg; replaces lysine 367 with arginine.
Molecular consequence: missense variant.
Genome position (GRCh38, 1-based): chr1:10,278,048, A>G. VCF-style: chr1-10278048-A-G. GRCh37 (hg19) VCF-style: chr1-10338106-A-G.
Other names: c.1100A>G, p.Lys367Arg (NM_001365952.1); c.1082A>G, p.Lys361Arg (NM_001365953.1, NM_015074.3, NM_183416.4); short protein forms K361R, K367R.
Identifiers: ClinVar variation 1786721 (VCV001786721.3), dbSNP rs2521197131, ClinGen allele CA338334158.